The following is an entry in ClinVar:

NM_002972.4(SBF1):c.1193G>A (p.Arg398His)

Gene: SBF1 (SET binding factor 1; minus strand). Cytogenetic location: 22q13.33.
Variant type: single nucleotide variant.
Coding change: c.1193G>A on transcript NM_002972.4 (MANE Select); coding-DNA position 1193, G replaced by A.
Protein change: p.Arg398His; replaces arginine 398 with histidine.
Molecular consequence: missense variant.
Genome position (GRCh38, 1-based): chr22:50,465,225, C>T on the plus strand (G>A on the coding strand, the complement: SBF1 is on the minus strand). VCF-style: chr22-50465225-C-T. GRCh37 (hg19) VCF-style: chr22-50903654-C-T.
Other names: c.1196G>A, p.Arg399His (NM_001365819.1); c.1193G>A (NM_002972.2); short protein forms R399H, R398H.
Identifiers: ClinVar variation 1488318 (VCV001488318.6), dbSNP rs771686648, ClinGen allele CA10317795.

ClinVar aggregate classification (germline): Uncertain significance. Review status: criteria provided, multiple submitters, no conflicts (2 of 4 stars). 2 submissions from 2 submitters: Uncertain significance (2). Last evaluated 2022-02-04.

Allele frequency attached by ClinVar (database versions not stated): gnomAD 0.00001; gnomAD exomes 0.00001; ExAC 0.00002.
gnomAD v4.1: 11 of 1,612,402 alleles (0.00068%); highest among the groups gnomAD compares: East Asian, 0.0022%; no homozygotes.

Submissions (2):

Ambry Genetics
Classification: Uncertain significance. Last evaluated: 2022-02-04. Review status: criteria provided, single submitter. Criteria: Ambry Variant Classification Scheme 2023. Collection method: clinical testing. Allele origin: germline.

Labcorp Genetics (formerly Invitae), Labcorp
Classification: Uncertain significance. Last evaluated: 2021-08-31. Review status: criteria provided, single submitter. Criteria: Invitae Variant Classification Sherloc (09022015). Collection method: clinical testing. Allele origin: germline.
Comment: This sequence change replaces arginine with histidine at codon 398 of the SBF1 protein (p.Arg398His). The arginine residue is moderately conserved and there is a small physicochemical difference between arginine and histidine. This variant is present in population databases (rs771686648, ExAC 0.003%). This variant has not been reported in the literature in individuals affected with SBF1-related conditions. Algorithms developed to predict the effect of missense changes on protein structure and function are either unavailable or do not agree on the potential impact of this missense change (SIFT: "Tolerated"; PolyPhen-2: "Probably Damaging"; Align-GVGD: "Class C0"). In summary, the available evidence is currently insufficient to determine the role of this variant in disease. Therefore, it has been classified as a Variant of Uncertain Significance.